The following is an entry in ClinVar:

ClinVar aggregate classification (germline): Uncertain significance (1 of 4 stars; one submission).

Submission:

CeGaT Center for Human Genetics Tuebingen
Classification: Uncertain significance. Last evaluated: 2022-09-01. Review status: criteria provided, single submitter. Criteria: CeGaT Center For Human Genetics Tuebingen Variant Classification Criteria Version 2. Collection method: clinical testing. Allele origin: germline. Affected: yes. Observed: 1 variant allele.
Comment: MTOR: PM2, PP2, BP4

NM_004958.4(MTOR):c.16C>T (p.Pro6Ser)

Gene: MTOR (mechanistic target of rapamycin kinase; minus strand). Cytogenetic location: 1p36.22.
Variant type: single nucleotide variant.
Coding change: c.16C>T on transcript NM_004958.4 (MANE Select); coding-DNA position 16, C replaced by T.
Protein change: p.Pro6Ser; replaces proline 6 with serine.
Molecular consequence: missense variant. On other transcripts: 5 prime UTR variant (1).
Genome position (GRCh38, 1-based): chr1:11,259,394, G>A on the plus strand (C>T on the coding strand, the complement: MTOR is on the minus strand). VCF-style: chr1-11259394-G-A. GRCh37 (hg19) VCF-style: chr1-11319451-G-A.
Other names: c.16C>T, p.Pro6Ser (NM_001386500.1); c.-1124C>T (NM_001386501.1); short protein forms P6S.
Identifiers: ClinVar variation 2638236 (VCV002638236.24), dbSNP rs2523476182, ClinGen allele CA338405519.